The following is an entry in ClinVar:

NM_177924.5(ASAH1):c.69C>A (p.His23Gln)

Gene: ASAH1 (N-acylsphingosine amidohydrolase 1; minus strand). Cytogenetic location: 8p22.
Variant type: single nucleotide variant.
Coding change: c.69C>A on transcript NM_177924.5 (MANE Select); coding-DNA position 69, C replaced by A.
Protein change: p.His23Gln; replaces histidine 23 with glutamine.
Molecular consequence: missense variant. On other transcripts: intron variant (2).
Genome position (GRCh38, 1-based): chr8:18,083,990, G>T on the plus strand (C>A on the coding strand, the complement: ASAH1 is on the minus strand). VCF-style: chr8-18083990-G-T. GRCh37 (hg19) VCF-style: chr8-17941499-G-T.
Other names: c.126+686C>A (NM_004315.6, NM_001127505.3); short protein forms H23Q.
Identifiers: ClinVar variation 2175871 (VCV002175871.1), dbSNP rs1412333581, ClinGen allele CA370435716.

ClinVar aggregate classification (germline): Uncertain significance (1 of 4 stars; one submission).

gnomAD v4.1: 38 of 1,597,922 alleles (0.0024%); highest among the groups gnomAD compares: Non-Finnish European, 0.0031%; no homozygotes.

Submission:

Labcorp Genetics (formerly Invitae), Labcorp
Classification: Uncertain significance. Last evaluated: 2022-09-19. Review status: criteria provided, single submitter. Criteria: Invitae Variant Classification Sherloc (09022015). Collection method: clinical testing. Allele origin: germline.
Comment: This sequence change replaces histidine, which is basic and polar, with glutamine, which is neutral and polar, at codon 23 of the ASAH1 protein (p.His23Gln). This variant is not present in population databases (gnomAD no frequency). This variant has not been reported in the literature in individuals affected with ASAH1-related conditions. Algorithms developed to predict the effect of missense changes on protein structure and function (SIFT, PolyPhen-2, Align-GVGD) all suggest that this variant is likely to be tolerated. In summary, the available evidence is currently insufficient to determine the role of this variant in disease. Therefore, it has been classified as a Variant of Uncertain Significance.